The following is an entry in ClinVar:

NM_005689.4(ABCB6):c.2525G>A (p.Arg842Gln)

Gene: ABCB6 (ATP binding cassette subfamily B member 6 (LAN blood group); minus strand). Cytogenetic location: 2q35.
Variant type: single nucleotide variant.
Coding change: c.2525G>A on transcript NM_005689.4 (MANE Select); coding-DNA position 2525, G replaced by A.
Protein change: p.Arg842Gln; replaces arginine 842 with glutamine.
Molecular consequence: missense variant.
Genome position (GRCh38, 1-based): chr2:219,209,942, C>T on the plus strand (G>A on the coding strand, the complement: ABCB6 is on the minus strand). VCF-style: chr2-219209942-C-T. GRCh37 (hg19) VCF-style: chr2-220074664-C-T.
Other names: c.2387G>A, p.Arg796Gln (NM_001349828.2); short protein forms R842Q, R796Q.
Identifiers: ClinVar variation 4748495 (VCV004748495.1).

ClinVar aggregate classification (germline): Uncertain significance (1 of 4 stars; one submission).

gnomAD v4.1: 20 of 1,613,876 alleles (0.0012%); highest among the groups gnomAD compares: East Asian, 0.0067%; no homozygotes.

Submission:

Labcorp Genetics (formerly Invitae), Labcorp
Classification: Uncertain significance. Last evaluated: 2025-02-27. Review status: criteria provided, single submitter. Criteria: Invitae Variant Classification Sherloc (09022015). Collection method: clinical testing. Allele origin: germline.
Comment: This sequence change replaces arginine, which is basic and polar, with glutamine, which is neutral and polar, at codon 842 of the ABCB6 protein (p.Arg842Gln). This variant is present in population databases (rs762664642, gnomAD 0.01%). This variant has not been reported in the literature in individuals affected with ABCB6-related conditions. An algorithm developed to predict the effect of missense changes on protein structure and function outputs the following: PolyPhen-2: "Benign". The glutamine amino acid residue is found in multiple mammalian species, which suggests that this missense change does not adversely affect protein function. In summary, the available evidence is currently insufficient to determine the role of this variant in disease. Therefore, it has been classified as a Variant of Uncertain Significance.